The following is an entry in ClinVar:

NM_001144950.2(SSC5D):c.1565G>A (p.Arg522His)

Gene: SSC5D (scavenger receptor cysteine rich family member with 5 domains; plus strand). Cytogenetic location: 19q13.42.
Variant type: single nucleotide variant.
Coding change: c.1565G>A on transcript NM_001144950.2 (MANE Select); coding-DNA position 1565, G replaced by A.
Protein change: p.Arg522His; replaces arginine 522 with histidine.
Molecular consequence: missense variant.
Genome position (GRCh38, 1-based): chr19:55,498,057, G>A. VCF-style: chr19-55498057-G-A. GRCh37 (hg19) VCF-style: chr19-56009424-G-A.
Other names: c.1565G>A, p.Arg522His (NM_001195267.2); short protein forms R522H.
Identifiers: ClinVar variation 2650527 (VCV002650527.24), dbSNP rs61748943, ClinGen allele CA9676513.

ClinVar aggregate classification (germline): Likely benign (1 of 4 stars; one submission).

Allele frequency attached by ClinVar (database versions not stated): 1000 Genomes Project 30x 0.00172; 1000 Genomes Project 0.00200; TOPMed 0.00316; ESP Exome Variant Server 0.00460; ExAC 0.00540; gnomAD exomes 0.00561; gnomAD 0.00606.
gnomAD v4.1: 8,688 of 1,551,748 alleles (0.56%); highest among the groups gnomAD compares: Non-Finnish European, 0.52%; 82 homozygotes.

Submission:

CeGaT Center for Human Genetics Tuebingen
Classification: Likely benign. Last evaluated: 2023-04-01. Review status: criteria provided, single submitter. Criteria: CeGaT Center For Human Genetics Tuebingen Variant Classification Criteria Version 2. Collection method: clinical testing. Allele origin: germline. Affected: yes. Observed: 1 variant allele.
Comment: SSC5D: BS2